The following is an entry in ClinVar:

ClinVar aggregate classification (germline): Benign. Review status: criteria provided, multiple submitters, no conflicts (2 of 4 stars). 2 submissions from 2 submitters: Benign (2). Last evaluated 2018-11-10.

Allele frequency attached by ClinVar (database versions not stated): 1000 Genomes Project 0.22724; 1000 Genomes Project 30x 0.23032; TOPMed 0.32519; gnomAD 0.33759 and 0.34051; ESP Exome Variant Server 0.35251; ExAC 0.35740; gnomAD exomes 0.35845 and 0.41243.
gnomAD v4.1: 651,875 of 1,611,260 alleles (40%); highest among the groups gnomAD compares: Non-Finnish European, 45%; 139,175 homozygotes.

Submissions (2):

GeneDx
Classification: Benign. Last evaluated: 2018-11-10. Review status: criteria provided, single submitter. Criteria: GeneDx Variant Classification Process June 2021. Collection method: clinical testing. Allele origin: germline. Affected: yes.
Comment: This variant is associated with the following publications: (PMID: 19103647)

Breakthrough Genomics
Classification: Benign. Review status: criteria provided, single submitter. Criteria: ACMG Guidelines, 2015. Collection method: not provided. Allele origin: germline. Inheritance: Autosomal dominant inheritance. Affected: yes.

NM_017429.3(BCO1):c.801A>T (p.Arg267Ser)

Gene: BCO1 (beta-carotene oxygenase 1; plus strand). Cytogenetic location: 16q23.2.
Variant type: single nucleotide variant.
Coding change: c.801A>T on transcript NM_017429.3 (MANE Select); coding-DNA position 801, A replaced by T.
Protein change: p.Arg267Ser; replaces arginine 267 with serine.
Molecular consequence: missense variant.
Genome position (GRCh38, 1-based): chr16:81,268,089, A>T. VCF-style: chr16-81268089-A-T. GRCh37 (hg19) VCF-style: chr16-81301694-A-T.
Other names: short protein forms R267S.
Identifiers: ClinVar variation 1293223 (VCV001293223.3), dbSNP rs12934922, ClinGen allele CA8190882.